The following is an entry in ClinVar:

ClinVar aggregate classification (germline): Pathogenic. Review status: criteria provided, multiple submitters, no conflicts (2 of 4 stars). 2 submissions from 2 submitters: Pathogenic (2). Last evaluated 2025-06-18.

Conditions:
Osteogenesis imperfecta type I (OI1). Also called: Osteogenesis imperfecta type 1; OI, TYPE I; OSTEOGENESIS IMPERFECTA TARDA; OSTEOGENESIS IMPERFECTA WITH BLUE SCLERAE; Lobstein's Disease; Lobstein disease. Identifiers: Orphanet 216796, Orphanet 666, MedGen C0023931, MONDO:0008146, OMIM 166200. Disease mechanism: loss of function.

Submissions (2):

Clinical Biomedical Laboratory, Shriners Hospital For Children - Canada
Classification: Pathogenic for Osteogenesis imperfecta type I. Last evaluated: 2025-06-18. Review status: criteria provided, single submitter. Criteria: ACMG Guidelines, 2015. Collection method: clinical testing. Allele origin: germline. Affected: yes.
Comment: This variant introduces a frameshift in COL1A1 and is expected to lead to premature termination codon, which results in degradation of the affected mRNA and haploinsufficiency of corresponding collagen type I alpha 1 chain. Haploinsufficiency of the collagen type I alpha 1 chainis a typical cause of oestogenesis imperfecta type I.

Labcorp Genetics (formerly Invitae), Labcorp
Classification: Pathogenic for Osteogenesis imperfecta type I. Last evaluated: 2017-11-27. Review status: criteria provided, single submitter. Criteria: Invitae Variant Classification Sherloc (09022015). Collection method: clinical testing. Allele origin: germline.
Comment: This variant has not been reported in the literature in individuals with COL1A1-related disease. This variant is not present in population databases (ExAC no frequency). This sequence change creates a premature translational stop signal (p.Tyr167Serfs*8) in the COL1A1 gene. It is expected to result in an absent or disrupted protein product. For these reasons, this variant has been classified as Pathogenic. Loss-of-function variants in COL1A1 are known to be pathogenic (PMID: 7942841, 9295084, 9443882). Algorithms developed to predict the effect of sequence changes on RNA splicing suggest that this variant may create or strengthen a splice site, but this prediction has not been confirmed by published transcriptional studies.

Literature cited by the submitters: PubMed 7942841 (cited by Labcorp Genetics (formerly Invitae), Labcorp); PubMed 9295084 (cited by Labcorp Genetics (formerly Invitae), Labcorp); PubMed 9443882 (cited by Labcorp Genetics (formerly Invitae), Labcorp).

NM_000088.4(COL1A1):c.481_499dup (p.Tyr167fs)

Gene: COL1A1 (collagen type I alpha 1 chain; minus strand). Cytogenetic location: 17q21.33.
Variant type: Duplication.
Coding change: c.481_499dup on transcript NM_000088.4 (MANE Select); coding-DNA positions 481 to 499, 19 bases duplicated (CCCCAGCTGTCTTATGGCT).
Protein change: p.Tyr167fs; shifts the reading frame from tyrosine 167.
Molecular consequence: frameshift variant.
Genome position (GRCh38, 1-based): chr17:50,198,477-50,198,495, AGCCATAAGACAGCTGGGG duplicated on the plus strand (CCCCAGCTGTCTTATGGCT on the coding strand, the reverse complement: COL1A1 is on the minus strand); duplicating any 19 consecutive bases within chr17:50,198,477-50,198,498 gives the same sequence; the c. name uses the placement nearest the transcript's 3' end. VCF-style (leftmost placement, unchanged base first): chr17-50198476-T-TAGCCATAAGACAGCTGGGG. GRCh37 (hg19) VCF-style: chr17-48275837-T-TAGCCATAAGACAGCTGGGG.
Other names: short protein forms Y167fs.
Identifiers: ClinVar variation 526848 (VCV000526848.8), dbSNP rs1555574871, ClinGen allele CA658798905.